The following is an entry in ClinVar:

NM_006939.4(SOS2):c.3460_3461del (p.Lys1154fs)

Gene: SOS2 (SOS Ras/Rho guanine nucleotide exchange factor 2; minus strand). Cytogenetic location: 14q21.3.
Variant type: Deletion.
Coding change: c.3460_3461del on transcript NM_006939.4 (MANE Select); coding-DNA positions 3460 to 3461, 2 bases deleted (AA; older notation c.3460_3461delAA).
Protein change: p.Lys1154fs; shifts the reading frame from lysine 1154.
Molecular consequence: frameshift variant.
Genome position (GRCh38, 1-based): chr14:50,120,303-50,120,304, TT deleted on the plus strand (AA on the coding strand, the reverse complement: SOS2 is on the minus strand); deleting any 2 consecutive bases within chr14:50,120,303-50,120,308 gives the same sequence; the c. name uses the placement nearest the transcript's 3' end. VCF-style (leftmost placement, unchanged base first): chr14-50120302-CTT-C. GRCh37 (hg19) VCF-style: chr14-50587020-CTT-C.
Other names: c.3361_3362del, p.Lys1121fs (NM_001411020.1); short protein forms K1121fs, K1154fs.
Identifiers: ClinVar variation 4732709 (VCV004732709.1).

ClinVar aggregate classification (germline): Uncertain significance (1 of 4 stars; one submission).

Conditions:
Noonan syndrome 9 (NS9). Identifiers: Orphanet 648, MedGen C4225282, MONDO:0014691, OMIM 616559.

Submission:

Labcorp Genetics (formerly Invitae), Labcorp
Classification: Uncertain significance for Noonan syndrome 9. Last evaluated: 2025-12-08. Review status: criteria provided, single submitter. Criteria: Invitae Variant Classification Sherloc (09022015). Collection method: clinical testing. Allele origin: germline.
Comment: This sequence change creates a premature translational stop signal (p.Lys1154Valfs*2) in the SOS2 gene. While this is not anticipated to result in nonsense mediated decay, it is expected to disrupt the last 179 amino acid(s) of the SOS2 protein. This variant is not present in population databases (gnomAD no frequency). This variant has not been reported in the literature in individuals affected with SOS2-related conditions. Experimental studies and prediction algorithms are not available or were not evaluated, and the functional significance of this variant is currently unknown. Algorithms developed to predict the effect of sequence changes on RNA splicing suggest that this variant may disrupt the consensus splice site. In summary, the available evidence is currently insufficient to determine the role of this variant in disease. Therefore, it has been classified as a Variant of Uncertain Significance.